The following is an entry in ClinVar:

NM_033305.3(VPS13A):c.2728G>C (p.Val910Leu)

Gene: VPS13A (vacuolar protein sorting 13 homolog A; plus strand). Cytogenetic location: 9q21.2.
Variant type: single nucleotide variant.
Coding change: c.2728G>C on transcript NM_033305.3 (MANE Select); coding-DNA position 2728, G replaced by C.
Protein change: p.Val910Leu; replaces valine 910 with leucine.
Molecular consequence: missense variant.
Genome position (GRCh38, 1-based): chr9:77,276,125, G>C. VCF-style: chr9-77276125-G-C. GRCh37 (hg19) VCF-style: chr9-79891041-G-C.
Other names: c.2728G>C, p.Val910Leu (NM_001018037.2, NM_001018038.3, NM_015186.4); short protein forms V910L.
Identifiers: ClinVar variation 4722304 (VCV004722304.1).
Genomic context (GRCh38, chr9:77,276,125, plus strand): 5'-GTTTTGATCGAGTTTTATCACCTTGTTGGAGATTGTGAACTATCTGTGGTAGAAATTCTT[G>C]TTTTAGGATTGGGTGCAGAAATTGAGATTAGAACATACGATTTGAAAGCAAATGCCTTTT-3'
Protein context (NP_150648.2, residues 900-920): DCELSVVEIL[Val910Leu]LGLGAEIEIR

ClinVar aggregate classification (germline): Uncertain significance (1 of 4 stars; one submission).

gnomAD v4.1: 18 of 1,613,062 alleles (0.0011%); highest among the groups gnomAD compares: Non-Finnish European, 0.0013%; no homozygotes.

Submission:

Labcorp Genetics (formerly Invitae), Labcorp
Classification: Uncertain significance. Last evaluated: 2025-10-10. Review status: criteria provided, single submitter. Criteria: Invitae Variant Classification Sherloc (09022015). Collection method: clinical testing. Allele origin: germline.
Comment: This sequence change replaces valine, which is neutral and non-polar, with leucine, which is neutral and non-polar, at codon 910 of the VPS13A protein (p.Val910Leu). This variant is present in population databases (rs768538853, gnomAD 0.005%). This variant has not been reported in the literature in individuals affected with VPS13A-related conditions. An algorithm developed to predict the effect of missense changes on protein structure and function (PolyPhen-2) suggests that this variant is likely to be tolerated. In summary, the available evidence is currently insufficient to determine the role of this variant in disease. Therefore, it has been classified as a Variant of Uncertain Significance.